The following is an entry in ClinVar:

ClinVar aggregate classification (germline): Uncertain significance (1 of 4 stars; one submission).

Conditions:
KCNQ1-related disorder. Also called: KCNQ1-related condition; KCNQ1-related disorders. Identifiers: MedGen CN239322.

Submission:

PreventionGenetics, part of Exact Sciences
Classification: Uncertain significance for KCNQ1-related condition. Last evaluated: 2025-04-08. Review status: criteria provided, single submitter. Criteria: ACMG Guidelines, 2015. Collection method: clinical testing. Allele origin: germline.
Comment: The KCNQ1 c.1514+17019delG variant is predicted to result in an intronic deletion. To our knowledge, this variant has not been reported in the literature or in a large population database (gnomAD), indicating this variant is rare. At this time, the clinical significance of this variant is uncertain due to the absence of conclusive functional and genetic evidence.

NM_000218.3(KCNQ1):c.1514+17019del

Genes: KCNQ1 (potassium voltage-gated channel subfamily Q member 1; plus strand), KCNQ1OT1 (KCNQ1 opposite strand/antisense transcript 1; minus strand). Cytogenetic location: 11p15.5.
Variant type: Deletion.
Coding change: c.1514+17019del on transcript NM_000218.3 (MANE Select); 17019 bases into the intron after coding-DNA position 1514, one base deleted (G; older notation c.1514+17019delG).
Molecular consequence: intron variant. On other transcripts: non-coding transcript variant (1).
Genome position (GRCh38, 1-based): chr11:2,679,100, G deleted. VCF-style (leftmost placement, unchanged base first): chr11-2679099-AG-A. GRCh37 (hg19) VCF-style: chr11-2700329-AG-A.
Other names: c.1244+17019del (NM_001406837.1); c.1418+17019del (NM_001406836.1); c.974+17019del (NM_001406838.1); c.1133+17019del (NM_181798.2).
Identifiers: ClinVar variation 4983999 (VCV004983999.1).
Genomic context (GRCh38, chr11:2,679,099, plus strand): 5'-CTCCTCCATACCAACCACCAAAAAAACCCACTAACACCATAAAGTGTCATAGCTAGAGCT[AG>A]AGTGCTGTTATAAGCTGTGCAGGCCAAAATGGTTTCATGGCATGAGTTGGGCAGCAGCGA-3'